The following is an entry in ClinVar:

NM_182961.4(SYNE1):c.14611G>A (p.Ala4871Thr)

Gene: SYNE1 (spectrin repeat containing nuclear envelope protein 1; minus strand). Cytogenetic location: 6q25.2.
Variant type: single nucleotide variant.
Coding change: c.14611G>A on transcript NM_182961.4 (MANE Select); coding-DNA position 14611, G replaced by A.
Protein change: p.Ala4871Thr; replaces alanine 4871 with threonine.
Molecular consequence: missense variant.
Genome position (GRCh38, 1-based): chr6:152,330,074, C>T on the plus strand (G>A on the coding strand, the complement: SYNE1 is on the minus strand). VCF-style: chr6-152330074-C-T. GRCh37 (hg19) VCF-style: chr6-152651209-C-T.
Other names: c.14398G>A, p.Ala4800Thr (NM_033071.5); short protein forms A4800T, A4871T.
Identifiers: ClinVar variation 958515 (VCV000958515.1), dbSNP rs2096210316, ClinGen allele CA366097017.

ClinVar aggregate classification (germline): Uncertain significance (1 of 4 stars; one submission).

Conditions:
Autosomal recessive ataxia, Beauce type. Also called: Spinocerebellar ataxia, autosomal recessive 8; ATAXIA, RECESSIVE, OF BEAUCE; SYNE1-Related Autosomal Recessive Cerebellar Ataxia; SYNE1 Deficiency. Identifiers: Orphanet 88644, MedGen C1853116, MONDO:0012549, OMIM 610743.
Emery-Dreifuss muscular dystrophy 4, autosomal dominant (EDMD4). Also called: EMERY-DREIFUSS MUSCULAR DYSTROPHY 4 WITH VARIABLE FEATURES. Identifiers: Orphanet 261, MedGen C2751807, MONDO:0013071, OMIM 612998.

gnomAD v4.1: 1 of 1,614,148 alleles (0.000062%); no homozygotes.

Submission:

Labcorp Genetics (formerly Invitae), Labcorp
Classification: Uncertain significance for Emery-Dreifuss muscular dystrophy 4, autosomal dominant; Spinocerebellar ataxia, autosomal recessive 8. Last evaluated: 2019-09-16. Review status: criteria provided, single submitter. Criteria: Invitae Variant Classification Sherloc (09022015). Collection method: clinical testing. Allele origin: germline.
Comment: This sequence change replaces alanine with threonine at codon 4800 of the SYNE1 protein (p.Ala4800Thr). The alanine residue is moderately conserved and there is a small physicochemical difference between alanine and threonine. This variant is not present in population databases (ExAC no frequency). This variant has not been reported in the literature in individuals with SYNE1-related conditions. Algorithms developed to predict the effect of missense changes on protein structure and function output the following: SIFT: "Tolerated"; PolyPhen-2: "Benign"; Align-GVGD: "Class C0". The threonine amino acid residue is found in multiple mammalian species, suggesting that this missense change does not adversely affect protein function. These predictions have not been confirmed by published functional studies and their clinical significance is uncertain. In summary, the available evidence is currently insufficient to determine the role of this variant in disease. Therefore, it has been classified as a Variant of Uncertain Significance.